The following is an entry in ClinVar:

NM_002491.3(NDUFB3):c.-2-173A>G

Gene: NDUFB3 (NADH:ubiquinone oxidoreductase subunit B3; plus strand). Cytogenetic location: 2q33.1.
Variant type: single nucleotide variant.
Coding change: c.-2-173A>G on transcript NM_002491.3 (MANE Select); 173 bases into the intron before 2 bases upstream of the start codon, A replaced by G.
Molecular consequence: intron variant.
Genome position (GRCh38, 1-based): chr2:201,078,708, A>G. VCF-style: chr2-201078708-A-G. GRCh37 (hg19) VCF-style: chr2-201943431-A-G.
Other names: c.-2-173A>G (NM_001257102.2).
Identifiers: ClinVar variation 675479 (VCV000675479.1), dbSNP rs11887751, ClinGen allele CA63864046.

ClinVar aggregate classification (germline): Benign (1 of 4 stars; one submission).

Allele frequency attached by ClinVar (database versions not stated): 1000 Genomes Project 0.04812; 1000 Genomes Project 30x 0.05122; gnomAD 0.05211 and 0.05525; TOPMed 0.05601.
gnomAD v4.1: 7,890 of 152,080 alleles (5.2%); highest among the groups gnomAD compares: African/African-American, 14%; 472 homozygotes.

Submission:

GeneDx
Classification: Benign. Last evaluated: 2018-06-14. Review status: criteria provided, single submitter. Criteria: GeneDx Variant Classification (06012015). Collection method: clinical testing. Allele origin: germline. Affected: yes.
Comment: This variant is considered likely benign or benign based on one or more of the following criteria: it is a conservative change, it occurs at a poorly conserved position in the protein, it is predicted to be benign by multiple in silico algorithms, and/or has population frequency not consistent with disease.